The following is an entry in ClinVar:

NM_004260.4(RECQL4):c.185C>A (p.Ser62Tyr)

Genes: RECQL4 (RecQ like helicase 4; minus strand), LOC130001411 (ATAC-STARR-seq lymphoblastoid silent region 19699; plus strand). Cytogenetic location: 8q24.3.
Variant type: single nucleotide variant.
Coding change: c.185C>A on transcript NM_004260.4 (MANE Select); coding-DNA position 185, C replaced by A.
Protein change: p.Ser62Tyr; replaces serine 62 with tyrosine.
Molecular consequence: missense variant. On other transcripts: 5 prime UTR variant (16), non-coding transcript variant (3), intron variant (2).
Genome position (GRCh38, 1-based): chr8:144,517,442, G>T on the plus strand (C>A on the coding strand, the complement: RECQL4 is on the minus strand). VCF-style: chr8-144517442-G-T. GRCh37 (hg19) VCF-style: chr8-145742826-G-T.
Other names: c.-784C>A (NM_001413024.1, NM_001413035.1); c.-949C>A (NM_001413027.1, NM_001413030.1, NM_001413031.1 and 1 more transcripts); c.-612C>A (NM_001413028.1); c.185C>A, p.Ser62Tyr (NM_001413029.1, NM_001413033.1, NM_001413036.1 and 5 more transcripts); c.-846C>A (NM_001413032.1); c.-791C>A (NM_001413034.1); c.-887C>A (NM_001413037.1, NM_001413038.1, NM_001413042.1 and 2 more transcripts); c.-1156C>A (NM_001413043.1); and 3 more; short protein forms S62Y.
Identifiers: ClinVar variation 5028109 (VCV005028109.1).

ClinVar aggregate classification (germline): Uncertain significance (1 of 4 stars; one submission).

Conditions:
Inborn genetic diseases. Identifiers: MedGen C0950123, MeSH D030342.

Submission:

Ambry Genetics
Classification: Uncertain significance for Inborn genetic diseases. Last evaluated: 2026-08-24. Review status: criteria provided, single submitter. Criteria: Ambry Variant Classification Scheme 2023. Collection method: clinical testing. Allele origin: germline.
Comment: The p.S62Y variant (also known as c.185C>A), located in coding exon 3 of the RECQL4 gene, results from a C to A substitution at nucleotide position 185. The serine at codon 62 is replaced by tyrosine, an amino acid with dissimilar properties. This amino acid position is conserved. In addition, this alteration is predicted to be tolerated by in silico analysis. Based on the available evidence, the clinical significance of this variant remains unclear.